The following is an entry in ClinVar:

ClinVar aggregate classification (germline): Likely benign. Review status: criteria provided, multiple submitters, no conflicts (2 of 4 stars). 3 submissions from 3 submitters: Likely benign (3). Last evaluated 2025-04-17.

Conditions:
Hereditary cancer-predisposing syndrome. Also called: Neoplastic Syndromes, Hereditary; Hereditary Cancer Syndrome; Tumor predisposition; Hereditary neoplastic syndrome. Identifiers: Orphanet 140162, MedGen C0027672, MeSH D009386, MONDO:0015356.
Neurofibromatosis, type 1 (NF1). Also called: VON RECKLINGHAUSEN DISEASE; Peripheral type neurofibromatosis; NEUROFIBROMATOSIS, TYPE I, SOMATIC; Neurofibromatosis, type I. Identifiers: Orphanet 636, MedGen C0027831, MONDO:0018975, OMIM 162200. Disease mechanism: loss of function.

Submissions (3):

Labcorp Genetics (formerly Invitae), Labcorp
Classification: Likely benign for Neurofibromatosis, type 1. Last evaluated: 2025-04-17. Review status: criteria provided, single submitter. Criteria: Invitae Variant Classification Sherloc (09022015). Collection method: clinical testing. Allele origin: germline.

CeGaT Center for Human Genetics Tuebingen
Classification: Likely benign. Last evaluated: 2022-05-01. Review status: criteria provided, single submitter. Criteria: CeGaT Center For Human Genetics Tuebingen Variant Classification Criteria Version 2. Collection method: clinical testing. Allele origin: germline. Affected: yes. Observed: 1 variant allele.
Comment: NF1: PM2:Supporting, BP4, BP7

Ambry Genetics
Classification: Likely benign for Hereditary cancer-predisposing syndrome. Last evaluated: 2015-06-09. Review status: criteria provided, single submitter. Criteria: Ambry Autosomal Dominant and X-Linked criteria (10/2015). Collection method: clinical testing. Allele origin: germline. Observed: 1 variant allele.

NM_001042492.3(NF1):c.5919T>C (p.Ala1973=)

Gene: NF1 (neurofibromin 1; plus strand). Cytogenetic location: 17q11.2.
Variant type: single nucleotide variant.
Coding change: c.5919T>C on transcript NM_001042492.3 (MANE Select); coding-DNA position 5919, T replaced by C.
Protein change: p.Ala1973=; no amino-acid change (alanine 1973 retained).
Molecular consequence: synonymous variant.
Genome position (GRCh38, 1-based): chr17:31,334,944, T>C. VCF-style: chr17-31334944-T-C. GRCh37 (hg19) VCF-style: chr17-29661962-T-C.
Other names: c.5856T>C, p.Ala1952= (NM_000267.4).
Identifiers: ClinVar variation 232336 (VCV000232336.28), dbSNP rs876659706, ClinGen allele CA10580360.
Genomic context (GRCh38, chr17:31,334,944, plus strand): 5'-GTCAAATCTAGTTCGTTTTTGCAAGCATAATGATGATGCCAAACGACAAAGAGTTACTGC[T>C]ATTCTTGACAAGCTGATAACAATGACCATCAATGAAAAACAGATGTACCCATCTATTCAA-3'
Protein context (NP_001035957.1, residues 1963-1983): NDDAKRQRVT[Ala1973=]ILDKLITMTI